The following is an entry in ClinVar:

ClinVar aggregate classification (germline): Uncertain significance (1 of 4 stars; one submission).

Conditions:
Alstrom syndrome (ALMS). Identifiers: Orphanet 64, MedGen C0268425, MONDO:0008763, OMIM 203800.

Submission:

Labcorp Genetics (formerly Invitae), Labcorp
Classification: Uncertain significance for Alstrom syndrome. Last evaluated: 2022-09-13. Review status: criteria provided, single submitter. Criteria: Invitae Variant Classification Sherloc (09022015). Collection method: clinical testing. Allele origin: germline.
Comment: This variant has not been reported in the literature in individuals affected with ALMS1-related conditions. In summary, the available evidence is currently insufficient to determine the role of this variant in disease. Therefore, it has been classified as a Variant of Uncertain Significance. Experimental studies and prediction algorithms are not available or were not evaluated, and the functional significance of this variant is currently unknown. ClinVar contains an entry for this variant (Variation ID: 1387729). This variant is not present in population databases (gnomAD no frequency). This sequence change replaces glutamine with glutamic acid at codon 310 of the ALMS1 protein (p.Gln310Glu). The glutamine residue is weakly conserved and there is a small physicochemical difference between glutamine and glutamic acid.

NM_001378454.1(ALMS1):c.925C>G (p.Gln309Glu)

Gene: ALMS1 (ALMS1 centrosome and basal body associated protein; plus strand). Cytogenetic location: 2p13.1.
Variant type: single nucleotide variant.
Coding change: c.925C>G on transcript NM_001378454.1 (MANE Select); coding-DNA position 925, C replaced by G.
Protein change: p.Gln309Glu; replaces glutamine 309 with glutamic acid.
Molecular consequence: missense variant.
Genome position (GRCh38, 1-based): chr2:73,424,590, C>G. VCF-style: chr2-73424590-C-G. GRCh37 (hg19) VCF-style: chr2-73651718-C-G.
Other names: c.928C>G, p.Gln310Glu (NM_015120.4); short protein forms Q310E, Q309E.
Identifiers: ClinVar variation 1387729 (VCV001387729.6), dbSNP rs1558639213, ClinGen allele CA347260905.
Genomic context (GRCh38, chr2:73,424,590, plus strand): 5'-GCAAGCAGTCGCTTTAGTGTATCTCAGCACCCGCTTATAGGCAGCACAGCTGTTGGGTCT[C>G]AGTGCCCTTTTTTACCTTCTGAACAAGGGAATAATGAAGAGACTATTTCGTCTGTTGATG-3'
Protein context (NP_001365383.1, residues 299-319): PLIGSTAVGS[Gln309Glu]CPFLPSEQGN